The following is an entry in ClinVar:

ClinVar aggregate classification (germline): Uncertain significance. Review status: criteria provided, multiple submitters, no conflicts (2 of 4 stars). 5 submissions from 5 submitters: Uncertain significance (5). Last evaluated 2026-03-31.

Conditions:
Intellectual developmental disorder, X-linked, syndromic, Turner type. Also called: X-linked intellectual disability, Turner type; Intellectual disability, X-linked syndromic, Turner type. Identifiers: Orphanet 3056, Orphanet 85328, MedGen C2678046, MONDO:0010407, OMIM 309590.
Inborn genetic diseases. Identifiers: MedGen C0950123, MeSH D030342.

Allele frequency attached by ClinVar (database versions not stated): gnomAD exomes 0.00001; ESP Exome Variant Server 0.00009; gnomAD 0.00001; TOPMed 0.00002; ExAC 0.00002.
gnomAD v4.1: 11 of 1,206,892 alleles (0.00091%); highest among the groups gnomAD compares: Non-Finnish European, 0.0011%; no homozygotes.

Submissions (5):

Ambry Genetics
Classification: Uncertain significance for Inborn genetic diseases. Last evaluated: 2026-03-31. Review status: criteria provided, single submitter. Criteria: Ambry Variant Classification Scheme 2023. Collection method: clinical testing. Allele origin: germline.
Comment: The c.8944C>T (p.R2982W) alteration is located in exon 64 (coding exon 61) of the HUWE1 gene. This alteration results from a C to T substitution at nucleotide position 8944, causing the arginine (R) at amino acid position 2982 to be replaced by a tryptophan (W). Based on data from gnomAD, the T allele has an overall frequency of 0.001% (2/175114) total alleles studied. The highest observed frequency was 0.003% (2/77363) of European (non-Finnish) alleles. Based on insufficient or conflicting evidence, the clinical significance of this alteration remains unclear.

Labcorp Genetics (formerly Invitae), Labcorp
Classification: Uncertain significance. Last evaluated: 2025-02-20. Review status: criteria provided, single submitter. Criteria: Invitae Variant Classification Sherloc (09022015). Collection method: clinical testing. Allele origin: germline.
Comment: This sequence change replaces arginine, which is basic and polar, with tryptophan, which is neutral and slightly polar, at codon 2982 of the HUWE1 protein (p.Arg2982Trp). The frequency data for this variant in the population databases is considered unreliable, as metrics indicate poor data quality at this position in the gnomAD database. This variant has not been reported in the literature in individuals affected with HUWE1-related conditions. ClinVar contains an entry for this variant (Variation ID: 1679153). Invitae Evidence Modeling of protein sequence and biophysical properties (such as structural, functional, and spatial information, amino acid conservation, physicochemical variation, residue mobility, and thermodynamic stability) has been performed for this missense variant. However, the output from this modeling did not meet the statistical confidence thresholds required to predict the impact of this variant on HUWE1 protein function. In summary, the available evidence is currently insufficient to determine the role of this variant in disease. Therefore, it has been classified as a Variant of Uncertain Significance.

GeneDx
Classification: Uncertain significance. Last evaluated: 2022-09-13. Review status: criteria provided, single submitter. Criteria: GeneDx Variant Classification Process June 2021. Collection method: clinical testing. Allele origin: germline. Affected: yes.
Comment: In silico analysis supports that this missense variant has a deleterious effect on protein structure/function; Has not been previously published as pathogenic or benign to our knowledge

Genetics and Molecular Pathology, SA Pathology
Classification: Uncertain significance for Intellectual developmental disorder, X-linked, syndromic, Turner type. Last evaluated: 2022-06-19. Review status: criteria provided, single submitter. Criteria: ACMG Guidelines, 2015. Collection method: clinical testing. Allele origin: germline. Inheritance: X-linked inheritance. Affected: yes.

Institute of Human Genetics, University of Leipzig Medical Center
Classification: Uncertain significance for Intellectual developmental disorder, X-linked, syndromic, Turner type. Last evaluated: 2022-04-05. Review status: criteria provided, single submitter. Criteria: ACMG Guidelines, 2015. Collection method: clinical testing. Allele origin: unknown. Affected: yes.
Comment: This variant was identified as hemizygous._x000D_ Criteria applied: PM1, PM2_SUP, PP3

NM_031407.7(HUWE1):c.8944C>T (p.Arg2982Trp)

Gene: HUWE1 (HECT, UBA and WWE domain containing E3 ubiquitin protein ligase 1; minus strand). Cytogenetic location: Xp11.22.
Variant type: single nucleotide variant.
Coding change: c.8944C>T on transcript NM_031407.7 (MANE Select); coding-DNA position 8944, C replaced by T.
Protein change: p.Arg2982Trp; replaces arginine 2982 with tryptophan.
Molecular consequence: missense variant.
Genome position (GRCh38, 1-based): chrX:53,551,418, G>A on the plus strand (C>T on the coding strand, the complement: HUWE1 is on the minus strand). VCF-style: chrX-53551418-G-A. GRCh37 (hg19) VCF-style: chrX-53578379-G-A.
Other names: c.8944C>T (NM_031407.4); short protein forms R2982W.
Identifiers: ClinVar variation 1679153 (VCV001679153.6), dbSNP rs373845421, ClinGen allele CA10421729.